The following is an entry in ClinVar:

ClinVar aggregate classification (germline): Uncertain significance (1 of 4 stars; one submission).

Submission:

Ambry Genetics
Classification: Uncertain significance. Last evaluated: 2023-09-04. Review status: criteria provided, single submitter. Criteria: Ambry Variant Classification Scheme 2023. Collection method: clinical testing. Allele origin: germline.
Comment: The p.R136W variant (also known as c.406A>T), located in coding exon 3 of the ALPK2 gene, results from an A to T substitution at nucleotide position 406. The arginine at codon 136 is replaced by tryptophan, an amino acid with dissimilar properties. This amino acid position is conserved. In addition, this alteration is predicted to be tolerated by in silico analysis. Since supporting evidence is limited at this time, the clinical significance of this alteration remains unclear.

NM_052947.4(ALPK2):c.406A>T (p.Arg136Trp)

Gene: ALPK2 (alpha kinase 2; minus strand). Cytogenetic location: 18q21.31.
Variant type: single nucleotide variant.
Coding change: c.406A>T on transcript NM_052947.4 (MANE Select); coding-DNA position 406, A replaced by T.
Protein change: p.Arg136Trp; replaces arginine 136 with tryptophan.
Molecular consequence: missense variant.
Genome position (GRCh38, 1-based): chr18:58,580,370, T>A on the plus strand (A>T on the coding strand, the complement: ALPK2 is on the minus strand). VCF-style: chr18-58580370-T-A. GRCh37 (hg19) VCF-style: chr18-56247602-T-A.
Other names: short protein forms R136W.
Identifiers: ClinVar variation 2626042 (VCV002626042.2), dbSNP rs568136603, ClinGen allele CA402568045.